The following is an entry in ClinVar:

ClinVar aggregate classification (germline): Likely pathogenic (1 of 4 stars; one submission).

Conditions:
Intellectual developmental disorder, autosomal recessive 47. Also called: Intellectual disability, autosomal recessive 47. Identifiers: Orphanet 88616, MedGen C4015444, MONDO:0014524, OMIM 616193.

Submission:

Juno Genomics, Hangzhou Juno Genomics, Inc
Classification: Likely pathogenic for Intellectual developmental disorder, autosomal recessive 47. Review status: criteria provided, single submitter. Criteria: ACMG Guidelines, 2015. Collection method: clinical testing. Allele origin: germline.
Comment: Null variant in a gene where loss of function (LOF) is a known mechanism of disease.;Absent from controls (or at extremely low frequency if recessive) in Genome Aggregation Database.

NM_020066.5(FMN2):c.2464C>T (p.Gln822Ter)

Gene: FMN2 (formin 2; plus strand). Cytogenetic location: 1q43.
Variant type: single nucleotide variant.
Coding change: c.2464C>T on transcript NM_020066.5 (MANE Select); coding-DNA position 2464, C replaced by T.
Protein change: p.Gln822Ter; replaces glutamine 822 with a stop codon.
Molecular consequence: nonsense. On other transcripts: intron variant (1).
Genome position (GRCh38, 1-based): chr1:240,207,276, C>T. VCF-style: chr1-240207276-C-T. GRCh37 (hg19) VCF-style: chr1-240370576-C-T.
Other names: c.2476C>T, p.Gln826Ter (NM_001305424.2); c.1986+19014C>T (NM_001348094.2); short protein forms Q822*, Q826*.
Identifiers: ClinVar variation 5006363 (VCV005006363.2).